The following is an entry in ClinVar:

ClinVar aggregate classification (germline): Likely benign (1 of 4 stars; one submission).

Submission:

CeGaT Center for Human Genetics Tuebingen
Classification: Likely benign. Last evaluated: 2026-08-01. Review status: criteria provided, single submitter. Criteria: CeGaT Center For Human Genetics Tuebingen Variant Classification Criteria Version 2. Collection method: clinical testing. Allele origin: germline. Affected: yes. Observed: 1 variant allele.
Comment: SPEN: BP4, BP7

NM_015001.3(SPEN):c.6114G>C (p.Gly2038=)

Gene: SPEN (spen family transcriptional repressor; plus strand). Cytogenetic location: 1p36.13.
Variant type: single nucleotide variant.
Coding change: c.6114G>C on transcript NM_015001.3 (MANE Select); coding-DNA position 6114, G replaced by C.
Protein change: p.Gly2038=; no amino-acid change (glycine 2038 retained).
Molecular consequence: synonymous variant.
Genome position (GRCh38, 1-based): chr1:15,932,354, G>C. VCF-style: chr1-15932354-G-C. GRCh37 (hg19) VCF-style: chr1-16258849-G-C.
Identifiers: ClinVar variation 5039331 (VCV005039331.1).